The following is an entry in ClinVar:

NM_173660.5(DOK7):c.1310_1320del (p.Gln437fs)

Gene: DOK7 (docking protein 7; plus strand). Cytogenetic location: 4p16.3.
Variant type: Deletion.
Coding change: c.1310_1320del on transcript NM_173660.5 (MANE Select); coding-DNA positions 1310 to 1320, 11 bases deleted (AGACGTCCGCC).
Protein change: p.Gln437fs; shifts the reading frame from glutamine 437.
Molecular consequence: frameshift variant. On other transcripts: 3 prime UTR variant (1).
Genome position (GRCh38, 1-based): chr4:3,493,296-3,493,306, AGACGTCCGCC deleted; deleting any 11 consecutive bases within chr4:3,493,293-3,493,306 gives the same sequence; the c. name uses the placement nearest the transcript's 3' end. VCF-style (leftmost placement, unchanged base first): chr4-3493292-GGCCAGACGTCC-G. GRCh37 (hg19) VCF-style: chr4-3495019-GGCCAGACGTCC-G.
Other names: c.*531_*541del (NM_001164673.2); c.380_390del, p.Gln127fs (NM_001256896.2); c.1310_1320del, p.Gln437fs (NM_001301071.2); c.878_888del, p.Gln293fs (NM_001363811.2); short protein forms Q127fs, Q437fs, Q293fs.
Identifiers: ClinVar variation 2928747 (VCV002928747.3), dbSNP rs749671160, ClinGen allele CA2829458.
Genomic context (GRCh38, chr4:3,493,292, plus strand): 5'-AGAGACCACAGCCCCCCCTCACAGGGCAGCCCCGGCAACAGTGCGGCCAGGGACTCAGGC[GGCCAGACGTCC>G]GCCGGGTGTCCCTCTGGCTGGCTGGGCACGAGACGGCGGGGCCTGGTGATGGAGGCCCCC-3'

ClinVar aggregate classification (germline): Pathogenic (1 of 4 stars; one submission).

Conditions:
Congenital myasthenic syndrome 10. Also called: Myasthenia, limb-girdle, familial. Identifiers: Orphanet 590, MedGen C1850792, MONDO:0009690, OMIM 254300.
Fetal akinesia deformation sequence 1 (FADS1). Also called: Fetal akinesia sequence; Pena-Shokeir syndrome type I. Identifiers: Orphanet 994, MedGen C1276035, MONDO:0100101, OMIM 208150, HP:0001989.

Submission:

Labcorp Genetics (formerly Invitae), Labcorp
Classification: Pathogenic for Congenital myasthenic syndrome 10; Fetal akinesia deformation sequence 1. Last evaluated: 2023-09-24. Review status: criteria provided, single submitter. Criteria: Invitae Variant Classification Sherloc (09022015). Collection method: clinical testing. Allele origin: germline.
Comment: For these reasons, this variant has been classified as Pathogenic. This variant disrupts a region of the DOK7 protein in which other variant(s) (p.Pro486Argfs*15) have been determined to be pathogenic (PMID: 29118959). This suggests that this is a clinically significant region of the protein, and that variants that disrupt it are likely to be disease-causing. This variant has not been reported in the literature in individuals affected with DOK7-related conditions. This variant is present in population databases (rs749671160, gnomAD 0.008%). This sequence change results in a frameshift in the DOK7 gene (p.Gln437Argfs*78). While this is not anticipated to result in nonsense mediated decay, it is expected to disrupt the last 68 amino acid(s) of the DOK7 protein and extend the protein by 9 additional amino acid residues.

Literature cited by the submitters: PubMed 29118959.